The following is an entry in ClinVar:

NM_003628.6(PKP4):c.1295C>A (p.Thr432Asn)

Gene: PKP4 (plakophilin 4; plus strand). Cytogenetic location: 2q24.1.
Variant type: single nucleotide variant.
Coding change: c.1295C>A on transcript NM_003628.6 (MANE Select); coding-DNA position 1295, C replaced by A.
Protein change: p.Thr432Asn; replaces threonine 432 with asparagine.
Molecular consequence: missense variant.
Genome position (GRCh38, 1-based): chr2:158,631,894, C>A. VCF-style: chr2-158631894-C-A. GRCh37 (hg19) VCF-style: chr2-159488406-C-A.
Other names: c.1295C>A, p.Thr432Asn (NM_001005476.4, NM_001304969.3, NM_001304971.2 and 6 more transcripts); c.269C>A, p.Thr90Asn (NM_001304970.3); c.1289C>A, p.Thr430Asn (NM_001377222.1, NM_001377223.1, NM_001377224.1); short protein forms T432N, T90N, T430N.
Identifiers: ClinVar variation 3889685 (VCV003889685.1).

ClinVar aggregate classification (germline): Uncertain significance (1 of 4 stars; one submission).

gnomAD v4.1: 1 of 1,614,142 alleles (0.000062%); no homozygotes.

Submission:

Ambry Genetics
Classification: Uncertain significance. Last evaluated: 2025-01-11. Review status: criteria provided, single submitter. Criteria: Ambry Variant Classification Scheme 2023. Collection method: clinical testing. Allele origin: germline.
Comment: The p.T432N variant (also known as c.1295C>A), located in coding exon 7 of the PKP4 gene, results from a C to A substitution at nucleotide position 1295. The threonine at codon 432 is replaced by asparagine, an amino acid with similar properties. This amino acid position is conserved. In addition, this alteration is predicted to be tolerated by in silico analysis. Based on the available evidence, the clinical significance of this variant remains unclear.